The following is an entry in ClinVar:

ClinVar aggregate classification (germline): Uncertain significance (1 of 4 stars; one submission).

gnomAD v4.1: 1 of 1,613,052 alleles (0.000062%); highest among the groups gnomAD compares: East Asian, 0.0022%; no homozygotes.

Submission:

GeneDx
Classification: Uncertain significance. Last evaluated: 2020-04-27. Review status: criteria provided, single submitter. Criteria: GeneDx Variant Classification Process June 2021. Collection method: clinical testing. Allele origin: germline. Affected: yes.
Comment: Not observed at a significant frequency in large population cohorts (Lek et al., 2016); In silico analysis supports that this missense variant has a deleterious effect on protein structure/function; Has not been previously published as pathogenic or benign to our knowledge

NM_001182.5(ALDH7A1):c.1301A>C (p.Tyr434Ser)

Gene: ALDH7A1 (aldehyde dehydrogenase 7 family member A1; minus strand). Cytogenetic location: 5q23.2.
Variant type: single nucleotide variant.
Coding change: c.1301A>C on transcript NM_001182.5 (MANE Select); coding-DNA position 1301, A replaced by C.
Protein change: p.Tyr434Ser; replaces tyrosine 434 with serine.
Molecular consequence: missense variant.
Genome position (GRCh38, 1-based): chr5:126,552,037, T>G on the plus strand (A>C on the coding strand, the complement: ALDH7A1 is on the minus strand). VCF-style: chr5-126552037-T-G. GRCh37 (hg19) VCF-style: chr5-125887729-T-G.
Other names: c.1217A>C, p.Tyr406Ser (NM_001201377.2); c.1109A>C, p.Tyr370Ser (NM_001202404.2); short protein forms Y434S, Y370S, Y406S.
Identifiers: ClinVar variation 451869 (VCV000451869.4), dbSNP rs747597620, ClinGen allele CA360722795.